The following is an entry in ClinVar:

ClinVar aggregate classification (germline): Pathogenic. Review status: criteria provided, multiple submitters, no conflicts (2 of 4 stars). 2 submissions from 2 submitters: Pathogenic (2). Last evaluated 2025-08-25.

Conditions:
Epidermolysis bullosa dystrophica. Also called: Dystrophic epidermolysis bullosa, Hallopeau-Siemens type (formerly); Dystrophic epidermolysis bullosa. Identifiers: Orphanet 303, MedGen C0079294, MONDO:0006543.

gnomAD v4.1: 7 of 1,612,980 alleles (0.00043%); highest among the groups gnomAD compares: East Asian, 0.016%; no homozygotes.

Submissions (2):

Natera, Inc.
Classification: Pathogenic for Dystrophic epidermolysis bullosa. Last evaluated: 2025-08-25. Review status: criteria provided, single submitter. Criteria: Natera Variant Classification Schema (03/2026). Collection method: clinical testing. Allele origin: germline.
Comment: The c.6573+1G>C variant in COL7A1 is a canonical splice donor site variant predicted to affect pre-mRNA splicing, which may result in an abnormal transcript and altered protein product. This variant is expected to result in nonsense mediated decay, truncation, or a dysfunctional protein product. This variant is rare in the general population with a frequency below the threshold expected for the associated phenotype(s). This variant has been observed in one or more individuals affected with the associated recessive disease, as either homozygous or compound heterozygous with a second variant (PMID: 9375848). This variant has been observed to segregate in affected family members (PMID: 16533235). Given the available evidence, this variant is classified as Pathogenic.

Biomedical Innovation Departament, CIEMAT
Classification: Pathogenic for Dystrophic epidermolysis bullosa. Last evaluated: 2018-11-26. Review status: criteria provided, single submitter. Criteria: ACMG Guidelines, 2015. Collection method: research. Allele origin: germline. Affected: yes. Observed: 1 variant allele.

Literature cited by the submitters: PubMed 9375848 (cited by Natera, Inc.); PubMed 16533235 (cited by Natera, Inc.); PubMed 9326325 (cited by Biomedical Innovation Departament, CIEMAT).

NM_000094.4(COL7A1):c.6573+1G>C

Gene: COL7A1 (collagen type VII alpha 1 chain; minus strand). Cytogenetic location: 3p21.31.
Variant type: single nucleotide variant.
Coding change: c.6573+1G>C on transcript NM_000094.4 (MANE Select); the canonical splice donor site of the intron after coding-DNA position 6573, G replaced by C.
Molecular consequence: splice donor variant.
Genome position (GRCh38, 1-based): chr3:48,573,689, C>G on the plus strand (G>C on the coding strand, the complement: COL7A1 is on the minus strand). VCF-style: chr3-48573689-C-G. GRCh37 (hg19) VCF-style: chr3-48611122-C-G.
Other names: c.6573+1G>C (NM_000094.3).
Identifiers: ClinVar variation 1048011 (VCV001048011.2), dbSNP rs1575434262, ClinGen allele CA352656777.